The following is an entry in ClinVar:

ClinVar aggregate classification (germline): Likely pathogenic (1 of 4 stars; one submission).

Conditions:
Complex cortical dysplasia with other brain malformations 7. Identifiers: Orphanet 300573, MedGen C3552236, MONDO:0012399, OMIM 610031.

Submission:

Lupski Lab, Baylor-Hopkins CMG, Baylor College of Medicine
Classification: Likely pathogenic for Complex cortical dysplasia with other brain malformations 7. Last evaluated: 2025-12-26. Review status: criteria provided, single submitter. Criteria: ACMG Guidelines, 2015. Collection method: research. Allele origin: de novo. Inheritance: Sporadic. Affected: yes. Observed: 1 heterozygote.
Comment: The NM_178012.5 c.605T>C variant is a de novo and heterozygous missense variant in TUBB2B. The variant is de novo (PS2). This variant is absent in gnomAD v4 (PM2) and impacts a highly conserved amino acid residue within a known polyamination site (PM1). In silico tools predicted a deleterious effect (CADD = 24.7; REVEL = 0.96; AlphaMissense = 0.96; PrimateAI = 0.66) (PP3). In summary, this variant meets criteria to be classified as likely pathogenic for TUBB2B-associated disease based on the ACMG/AMP criteria applied: PS2, PM1, PM2, PP3.

NM_178012.5(TUBB2B):c.605T>C (p.Ile202Thr)

Gene: TUBB2B (tubulin beta 2B class IIb; minus strand). Cytogenetic location: 6p25.2.
Variant type: single nucleotide variant.
Coding change: c.605T>C on transcript NM_178012.5 (MANE Select); coding-DNA position 605, T replaced by C.
Protein change: p.Ile202Thr; replaces isoleucine 202 with threonine.
Molecular consequence: missense variant.
Genome position (GRCh38, 1-based): chr6:3,225,484, A>G on the plus strand (T>C on the coding strand, the complement: TUBB2B is on the minus strand). VCF-style: chr6-3225484-A-G. GRCh37 (hg19) VCF-style: chr6-3225718-A-G.
Other names: short protein forms I202T.
Identifiers: ClinVar variation 4540579 (VCV004540579.1).